The following is an entry in ClinVar:

ClinVar aggregate classification (germline): Conflicting classifications of pathogenicity. Review status: criteria provided, conflicting classifications (1 of 4 stars). 3 submissions from 3 submitters: Uncertain significance (1); Likely benign (1). 1 of the submissions does not count toward it. Last evaluated 2024-11-22.

Conditions:
Arthrogryposis multiplex congenita (AMC). Also called: Congenital multiple arthrogryposis; Fibrous ankylosis of multiple joints; Congenital arthromyodysplasia; Myodystrophia fetalis deformans; Otto syndrome; Rocher-Sheldon syndrome. Identifiers: Orphanet 1037, MedGen C5779613, MeSH D001176, MONDO:0015168, HP:0002804.
Fetal akinesia deformation sequence 1 (FADS1). Also called: Pena-Shokeir syndrome type I; Fetal akinesia sequence. Identifiers: Orphanet 994, MedGen C1276035, MONDO:0100101, OMIM 208150, HP:0001989.
PRG4-related disorder. Also called: PRG4-related condition.

Allele frequency attached by ClinVar (database versions not stated): ESP Exome Variant Server 0.00062; TOPMed 0.00080; 1000 Genomes Project 30x 0.00094; gnomAD exomes 0.00111; ExAC 0.00116; 1000 Genomes Project 0.00120; gnomAD 0.00213.
gnomAD v4.1: 1,541 of 1,613,738 alleles (0.095%); highest among the groups gnomAD compares: Non-Finnish European, 0.097%; 2 homozygotes.

Submissions (3):

Blueprint Genetics
Classification: Likely benign. Last evaluated: 2024-11-22. Review status: criteria provided, single submitter. Criteria: ACMG Guidelines, 2015. Collection method: clinical testing. Allele origin: germline.

Cirak Lab, University Hospital Cologne
Classification: Uncertain significance for Arthrogryposis multiplex congenita; Fetal akinesia sequence. Last evaluated: 2019-06-28. Review status: criteria provided, single submitter. Criteria: ACMG Guidelines, 2015. Collection method: research. Allele origin: inherited. Affected: yes. Observed: 1 variant allele.

PreventionGenetics, part of Exact Sciences
Classification: Likely benign for PRG4-related condition. Last evaluated: 2024-01-29. Review status: no assertion criteria provided. Collection method: clinical testing. Allele origin: germline. Not counted in ClinVar's aggregate classification.
Comment: This variant is classified as likely benign based on ACMG/AMP sequence variant interpretation guidelines (Richards et al. 2015 PMID: 25741868, with internal and published modifications).

Literature cited by the submitters: PubMed 31680123 (cited by Cirak Lab, University Hospital Cologne).

NM_005807.6(PRG4):c.3569G>A (p.Gly1190Asp)

Gene: PRG4 (proteoglycan 4; plus strand). Cytogenetic location: 1q31.1.
Variant type: single nucleotide variant.
Coding change: c.3569G>A on transcript NM_005807.6 (MANE Select); coding-DNA position 3569, G replaced by A.
Protein change: p.Gly1190Asp; replaces glycine 1190 with aspartic acid.
Molecular consequence: missense variant.
Genome position (GRCh38, 1-based): chr1:186,311,103, G>A. VCF-style: chr1-186311103-G-A. GRCh37 (hg19) VCF-style: chr1-186280235-G-A.
Other names: c.3569G>A (NM_005807.4); c.3446G>A, p.Gly1149Asp (NM_001127708.3); c.3290G>A, p.Gly1097Asp (NM_001127709.3); c.3167G>A, p.Gly1056Asp (NM_001127710.3); c.3440G>A, p.Gly1147Asp (NM_001303232.2); short protein forms G1190D, G1097D, G1147D, G1056D, G1149D.
Identifiers: ClinVar variation 692303 (VCV000692303.5), dbSNP rs150072104, ClinGen allele CA1296679.